The following is an entry in ClinVar:

NM_001605.3(AARS1):c.985C>T (p.Arg329Cys)

Gene: AARS1 (alanyl-tRNA synthetase 1; minus strand). Cytogenetic location: 16q22.1.
Variant type: single nucleotide variant.
Coding change: c.985C>T on transcript NM_001605.3 (MANE Select); coding-DNA position 985, C replaced by T.
Protein change: p.Arg329Cys; replaces arginine 329 with cysteine.
Molecular consequence: missense variant.
Genome position (GRCh38, 1-based): chr16:70,268,357, G>A on the plus strand (C>T on the coding strand, the complement: AARS1 is on the minus strand). VCF-style: chr16-70268357-G-A. GRCh37 (hg19) VCF-style: chr16-70302260-G-A.
Other names: short protein forms R329C.
Identifiers: ClinVar variation 422259 (VCV000422259.8), dbSNP rs1064795664, ClinGen allele CA16620263.

ClinVar aggregate classification (germline): Likely pathogenic. Review status: criteria provided, multiple submitters, no conflicts (2 of 4 stars). 2 submissions from 2 submitters: Likely pathogenic (2). Last evaluated 2025-09-17.

Conditions:
Charcot-Marie-Tooth disease type 2. Also called: Charcot-Marie-Tooth type 2. Identifiers: Orphanet 64746, MedGen C0270914, MONDO:0018993.

Allele frequency attached by ClinVar (database versions not stated): gnomAD exomes below 0.00001.
gnomAD v4.1: 4 of 1,614,112 alleles (0.00025%); highest among the groups gnomAD compares: Non-Finnish European, 0.00025%; no homozygotes.

Submissions (2):

GeneDx
Classification: Likely pathogenic. Last evaluated: 2025-09-17. Review status: criteria provided, single submitter. Criteria: GeneDx Variant Classification Process June 2021. Collection method: clinical testing. Allele origin: germline. Affected: yes.
Comment: Not observed at significant frequency in large population cohorts (gnomAD); In silico analysis supports that this missense variant has a deleterious effect on protein structure/function; This variant is associated with the following publications: (PMID: 25817015, 34446925, 34060689)

Labcorp Genetics (formerly Invitae), Labcorp
Classification: Likely pathogenic for Charcot-Marie-Tooth disease type 2. Last evaluated: 2023-09-08. Review status: criteria provided, single submitter. Criteria: Invitae Variant Classification Sherloc (09022015). Collection method: clinical testing. Allele origin: germline.
Comment: In summary, the currently available evidence indicates that the variant is pathogenic, but additional data are needed to prove that conclusively. Therefore, this variant has been classified as Likely Pathogenic. This variant disrupts the p.Arg329 amino acid residue in AARS. Other variant(s) that disrupt this residue have been determined to be pathogenic (PMID: 20045102, 22009580). This suggests that this residue is clinically significant, and that variants that disrupt this residue are likely to be disease-causing. Advanced modeling of protein sequence and biophysical properties (such as structural, functional, and spatial information, amino acid conservation, physicochemical variation, residue mobility, and thermodynamic stability) performed at Invitae indicates that this missense variant is expected to disrupt AARS protein function. ClinVar contains an entry for this variant (Variation ID: 422259). This variant has not been reported in the literature in individuals affected with AARS-related conditions. This variant is not present in population databases (gnomAD no frequency). This sequence change replaces arginine, which is basic and polar, with cysteine, which is neutral and slightly polar, at codon 329 of the AARS protein (p.Arg329Cys).

Literature cited by the submitters: PubMed 20045102 (cited by Labcorp Genetics (formerly Invitae), Labcorp); PubMed 22009580 (cited by Labcorp Genetics (formerly Invitae), Labcorp).